The following is an entry in ClinVar:

ClinVar aggregate classification (germline): Uncertain significance (1 of 4 stars; one submission).

Conditions:
Arrhythmogenic cardiomyopathy with wooly hair and keratoderma. Also called: PALMOPLANTAR KERATODERMA WITH LEFT VENTRICULAR CARDIOMYOPATHY AND WOOLLY HAIR; Dilated cardiomyopathy with woolly hair and keratoderma; Arrhythmogenic cardiomyopathy with woolly hair and keratoderma; Carvajal syndrome. Identifiers: Orphanet 65282, MedGen C1854063, MONDO:0011581, OMIM 605676.
Arrhythmogenic right ventricular dysplasia 8 (ARVD8). Also called: ARRHYTHMOGENIC RIGHT VENTRICULAR DYSPLASIA, FAMILIAL, 8; Arrhythmogenic Right Ventricular Dysplasia/Cardiomyopathy 8; ARRHYTHMOGENIC RIGHT VENTRICULAR CARDIOMYOPATHY 8. Identifiers: MedGen C1843896, MONDO:0011831, OMIM 607450.

Allele frequency attached by ClinVar (database versions not stated): gnomAD exomes below 0.00001; TOPMed 0.00001.
gnomAD v4.1: 1 of 1,613,806 alleles (0.000062%); highest among the groups gnomAD compares: East Asian, 0.0022%; no homozygotes.

Submission:

Labcorp Genetics (formerly Invitae), Labcorp
Classification: Uncertain significance for Arrhythmogenic cardiomyopathy with wooly hair and keratoderma; Arrhythmogenic right ventricular dysplasia 8. Last evaluated: 2022-10-25. Review status: criteria provided, single submitter. Criteria: Invitae Variant Classification Sherloc (09022015). Collection method: clinical testing. Allele origin: germline.
Comment: This sequence change replaces lysine, which is basic and polar, with glutamine, which is neutral and polar, at codon 813 of the DSP protein (p.Lys813Gln). In summary, the available evidence is currently insufficient to determine the role of this variant in disease. Therefore, it has been classified as a Variant of Uncertain Significance. Algorithms developed to predict the effect of missense changes on protein structure and function are either unavailable or do not agree on the potential impact of this missense change (SIFT: "Tolerated"; PolyPhen-2: "Probably Damaging"; Align-GVGD: "Class C0"). ClinVar contains an entry for this variant (Variation ID: 1036748). This variant has not been reported in the literature in individuals affected with DSP-related conditions. This variant is present in population databases (no rsID available, gnomAD 0.006%).

NM_004415.4(DSP):c.2437A>C (p.Lys813Gln)

Gene: DSP (desmoplakin; plus strand). Cytogenetic location: 6p24.3.
Variant type: single nucleotide variant.
Coding change: c.2437A>C on transcript NM_004415.4 (MANE Select); coding-DNA position 2437, A replaced by C.
Protein change: p.Lys813Gln; replaces lysine 813 with glutamine.
Molecular consequence: missense variant.
Genome position (GRCh38, 1-based): chr6:7,575,295, A>C. VCF-style: chr6-7575295-A-C. GRCh37 (hg19) VCF-style: chr6-7575528-A-C.
Other names: c.2437A>C, p.Lys813Gln (NM_001008844.3, NM_001319034.2); short protein forms K813Q.
Identifiers: ClinVar variation 1036748 (VCV001036748.7), dbSNP rs1395903631, ClinGen allele CA362681328.